The following is an entry in ClinVar:

NM_003742.4(ABCB11):c.1810-2A>C

Gene: ABCB11 (ATP binding cassette subfamily B member 11; minus strand). Cytogenetic location: 2q31.1.
Variant type: single nucleotide variant.
Coding change: c.1810-2A>C on transcript NM_003742.4 (MANE Select); the canonical splice acceptor site of the intron before coding-DNA position 1810, A replaced by C.
Molecular consequence: splice acceptor variant.
Genome position (GRCh38, 1-based): chr2:168,969,553, T>G on the plus strand (A>C on the coding strand, the complement: ABCB11 is on the minus strand). VCF-style: chr2-168969553-T-G. GRCh37 (hg19) VCF-style: chr2-169826063-T-G.
Identifiers: ClinVar variation 4815264 (VCV004815264.1).
Genomic context (GRCh38, chr2:168,969,553, plus strand): 5'-GCAGCTCTGACCGTAGACAAGCGATGAGCAACTGAAATGATTGTGTGCCCATGCTGAATC[T>G]GTAAGAATGTACAGTGCACCATTAAACAAAACTGTGAGACAGAGCTGACACTGACCTTTG-3'

ClinVar aggregate classification (germline): Likely pathogenic (1 of 4 stars; one submission).

Conditions:
Progressive familial intrahepatic cholestasis type 2. Identifiers: Orphanet 79304, MedGen C3489789, MONDO:0011156, OMIM 601847.

Submission:

Natera, Inc.
Classification: Likely pathogenic for Progressive familial intrahepatic cholestasis type 2. Last evaluated: 2025-07-21. Review status: criteria provided, single submitter. Criteria: Natera Variant Classification Schema (03/2026). Collection method: clinical testing. Allele origin: germline.
Comment: The c.1810-2A>C variant in ABCB11 is a canonical splice acceptor site variant predicted to affect pre-mRNA splicing, which may result in an abnormal transcript and altered protein product. This variant is expected to result in nonsense mediated decay, truncation, or a dysfunctional protein product. This variant is rare in the general population with a frequency below the threshold expected for the associated phenotype(s). Given the available evidence, this variant is classified as Likely Pathogenic.